The following is an entry in ClinVar:

ClinVar aggregate classification (germline): Pathogenic/Likely pathogenic. Review status: criteria provided, multiple submitters, no conflicts (2 of 4 stars). 3 submissions from 3 submitters: Pathogenic (1); Likely pathogenic (2). Last evaluated 2024-01-13.

Conditions:
Multiple acyl-CoA dehydrogenase deficiency (MADD). Also called: Glutaric Acidemia type 2; ETHYLMALONIC-ADIPICACIDURIA; GA II; Glutaric aciduria, type 2; Glutaric acidemia type II; GA 2. Identifiers: Orphanet 26791, MedGen C0268596, MONDO:0009282, OMIM 231680.
ETFB-related disorder. Also called: ETFB-related condition.

Submissions (3):

Labcorp Genetics (formerly Invitae), Labcorp
Classification: Pathogenic for Multiple acyl-CoA dehydrogenase deficiency. Last evaluated: 2024-01-13. Review status: criteria provided, single submitter. Criteria: Invitae Variant Classification Sherloc (09022015). Collection method: clinical testing. Allele origin: germline.
Comment: This sequence change creates a premature translational stop signal (p.Arg21Glufs*2) in the ETFB gene. It is expected to result in an absent or disrupted protein product. Loss-of-function variants in ETFB are known to be pathogenic (PMID: 16510302, 23785301). This variant is not present in population databases (gnomAD no frequency). This variant has not been reported in the literature in individuals affected with ETFB-related conditions. For these reasons, this variant has been classified as Pathogenic.

Baylor Genetics
Classification: Likely pathogenic for Multiple acyl-CoA dehydrogenase deficiency. Last evaluated: 2023-03-15. Review status: criteria provided, single submitter. Criteria: ACMG Guidelines, 2015. Collection method: clinical testing. Allele origin: unknown.

Blueprint Genetics
Classification: Likely pathogenic for ETFB-related disorders. Last evaluated: 2022-07-06. Review status: criteria provided, single submitter. Criteria: ACMG Guidelines, 2015. Collection method: clinical testing. Allele origin: germline. Affected: yes. Observed: 2 variant alleles.

Literature cited by the submitters: PubMed 16510302 (cited by Labcorp Genetics (formerly Invitae), Labcorp); PubMed 23785301 (cited by Labcorp Genetics (formerly Invitae), Labcorp).

NM_001985.3(ETFB):c.61del (p.Arg21fs)

Gene: ETFB (electron transfer flavoprotein subunit beta; minus strand). Cytogenetic location: 19q13.41.
Variant type: Deletion.
Coding change: c.61del on transcript NM_001985.3 (MANE Select); coding-DNA position 61, one base deleted (C; older notation c.61delC).
Protein change: p.Arg21fs; shifts the reading frame from arginine 21.
Molecular consequence: frameshift variant.
Genome position (GRCh38, 1-based): chr19:51,354,305, G deleted on the plus strand (C on the coding strand, the reverse complement: ETFB is on the minus strand); the first of 2 consecutive G bases (chr19:51,354,305-51,354,306); deleting either gives the same sequence. VCF-style (leftmost placement, unchanged base first): chr19-51354304-CG-C. GRCh37 (hg19) VCF-style: chr19-51857558-CG-C.
Other names: c.334del, p.Arg112fs (NM_001014763.1); short protein forms R112fs, R21fs.
Identifiers: ClinVar variation 2675096 (VCV002675096.5), dbSNP rs2514156024, ClinGen allele CA2586710215.